The following is an entry in ClinVar:

NM_032043.3(BRIP1):c.3676A>C (p.Thr1226Pro)

Gene: BRIP1 (BRCA1 interacting DNA helicase 1; minus strand). Cytogenetic location: 17q23.2.
Variant type: single nucleotide variant.
Coding change: c.3676A>C on transcript NM_032043.3 (MANE Select); coding-DNA position 3676, A replaced by C.
Protein change: p.Thr1226Pro; replaces threonine 1226 with proline.
Molecular consequence: missense variant.
Genome position (GRCh38, 1-based): chr17:61,683,370, T>G on the plus strand (A>C on the coding strand, the complement: BRIP1 is on the minus strand). VCF-style: chr17-61683370-T-G. GRCh37 (hg19) VCF-style: chr17-59760731-T-G.
Other names: short protein forms T1226P.
Identifiers: ClinVar variation 241658 (VCV000241658.21), dbSNP rs781140410, ClinGen allele CA8690340.

ClinVar aggregate classification (germline): Uncertain significance. Review status: criteria provided, multiple submitters, no conflicts (2 of 4 stars). 5 submissions from 5 submitters: Uncertain significance (5). Last evaluated 2025-08-19.

Conditions:
Familial ovarian cancer. Identifiers: MedGen C5679802, MONDO:0016248.
Familial cancer of breast. Also called: BREAST CANCER, FAMILIAL; Hereditary breast cancer; hereditary breast carcinoma. Identifiers: Orphanet 227535, MedGen C0346153, MONDO:0016419, OMIM 114480. Disease mechanism: loss of function.
Fanconi anemia complementation group J. Also called: BRIP1-Related Fanconi Anemia. Identifiers: Orphanet 84, MedGen C1836860, MONDO:0012187, OMIM 609054.
Hereditary cancer-predisposing syndrome. Also called: Neoplastic Syndromes, Hereditary; Tumor predisposition; Hereditary neoplastic syndrome; Hereditary Cancer Syndrome. Identifiers: Orphanet 140162, MedGen C0027672, MeSH D009386, MONDO:0015356.

Allele frequency attached by ClinVar (database versions not stated): gnomAD exomes below 0.00001 and 0.00002; ExAC 0.00002.
gnomAD v4.1: 9 of 1,612,286 alleles (0.00056%); highest among the groups gnomAD compares: South Asian, 0.0055%; no homozygotes.

Submissions (5):

Ambry Genetics
Classification: Uncertain significance for Hereditary cancer-predisposing syndrome. Last evaluated: 2025-08-19. Review status: criteria provided, single submitter. Criteria: Ambry Variant Classification Scheme 2023. Collection method: clinical testing. Allele origin: germline.

Labcorp Genetics (formerly Invitae), Labcorp
Classification: Uncertain significance for Familial cancer of breast; Fanconi anemia complementation group J. Last evaluated: 2025-01-28. Review status: criteria provided, single submitter. Criteria: Invitae Variant Classification Sherloc (09022015). Collection method: clinical testing. Allele origin: germline.
Comment: This sequence change replaces threonine, which is neutral and polar, with proline, which is neutral and non-polar, at codon 1226 of the BRIP1 protein (p.Thr1226Pro). This variant is present in population databases (rs781140410, gnomAD 0.01%). This variant has not been reported in the literature in individuals affected with BRIP1-related conditions. ClinVar contains an entry for this variant (Variation ID: 241658). Invitae Evidence Modeling of protein sequence and biophysical properties (such as structural, functional, and spatial information, amino acid conservation, physicochemical variation, residue mobility, and thermodynamic stability) indicates that this missense variant is not expected to disrupt BRIP1 protein function with a negative predictive value of 95%. In summary, the available evidence is currently insufficient to determine the role of this variant in disease. Therefore, it has been classified as a Variant of Uncertain Significance.

Color Diagnostics, LLC DBA Color Health
Classification: Uncertain significance for Hereditary cancer-predisposing syndrome. Last evaluated: 2024-03-06. Review status: criteria provided, single submitter. Criteria: ACMG Guidelines, 2015. Collection method: clinical testing. Allele origin: germline.
Comment: This missense variant replaces threonine with proline at codon 1226 of the BRIP1 protein. Computational prediction suggests that this variant may not impact protein structure and function (internally defined REVEL score threshold <= 0.5, PMID: 27666373). Splice site prediction tools suggest that this variant may not impact RNA splicing. To our knowledge, functional studies have not been performed for this variant. This variant has not been reported in individuals affected with hereditary cancer in the literature. This variant has been identified in 4/250358 chromosomes in the general population by the Genome Aggregation Database (gnomAD). The available evidence is insufficient to determine the role of this variant in disease conclusively. Therefore, this variant is classified as a Variant of Uncertain Significance.

GeneDx
Classification: Uncertain significance. Last evaluated: 2023-11-16. Review status: criteria provided, single submitter. Criteria: GeneDx Variant Classification Process June 2021. Collection method: clinical testing. Allele origin: germline. Affected: yes.
Comment: Not observed at significant frequency in large population cohorts (gnomAD); In silico analysis supports that this missense variant does not alter protein structure/function; Has not been previously published as pathogenic or benign to our knowledge

Department of Pathology and Laboratory Medicine, Sinai Health System
Classification: Uncertain significance for familial ovarian cancer. Last evaluated: 2020-08-27. Review status: criteria provided, single submitter. Criteria: ACMG Guidelines, 2015. Collection method: clinical testing. Allele origin: germline. Affected: yes.